The following is an entry in ClinVar:

ClinVar aggregate classification (germline): Uncertain significance (1 of 4 stars; one submission).

Submission:

Women's Health and Genetics/Laboratory Corporation of America, LabCorp
Classification: Uncertain significance. Last evaluated: 2024-07-05. Review status: criteria provided, single submitter. Criteria: LabCorp Variant Classification Summary - May 2015. Collection method: clinical testing. Allele origin: germline.
Comment: Variant summary: DIP2B c.2535-1G>T is located in a canonical splice-site and is predicted to affect mRNA splicing resulting in a significantly altered protein due to either exon skipping, shortening, or inclusion of intronic material. Several computational tools predict a significant impact on normal splicing: Four predict the variant abolishes the canonical 3' acceptor site. However, these predictions have yet to be confirmed by functional studies. The variant was absent in 238318 control chromosomes. The available data on variant occurrences in the general population are insufficient to allow any conclusion about variant significance. To our knowledge, no occurrence of c.2535-1G>T in individuals affected with Intellectual Disability, FRA12A Type and no experimental evidence demonstrating its impact on protein function have been reported. No submitters have cited clinical-significance assessments for this variant to ClinVar. Based on the evidence outlined above, the variant was classified as uncertain significance.

NM_173602.3(DIP2B):c.2535-1G>T

Gene: DIP2B (disco interacting protein 2 homolog B; plus strand). Cytogenetic location: 12q13.12.
Variant type: single nucleotide variant.
Coding change: c.2535-1G>T on transcript NM_173602.3 (MANE Select); the canonical splice acceptor site of the intron before coding-DNA position 2535, G replaced by T.
Molecular consequence: splice acceptor variant.
Genome position (GRCh38, 1-based): chr12:50,708,447, G>T. VCF-style: chr12-50708447-G-T. GRCh37 (hg19) VCF-style: chr12-51102230-G-T.
Identifiers: ClinVar variation 3339125 (VCV003339125.1).
Genomic context (GRCh38, chr12:50,708,447, plus strand): 5'-AACAAAACAAATAGGACTGGTTGTGAAGGGAGTCCTGATGTGTTTGATCTGTCTCTCTTA[G>T]AATTGCTGTGTTTTCTGTGTCTGTATTTTATGATGAGCGCATTGTGGTGGTTGCGGAACA-3'